The following is an entry in ClinVar:

ClinVar aggregate classification (germline): Benign. Review status: criteria provided, multiple submitters, no conflicts (2 of 4 stars). 4 submissions from 4 submitters: Benign (3). 1 of the submissions does not count toward it. Last evaluated 2026-01-12.

Conditions:
KRT2-related disorder. Also called: KRT2-related condition.
Ichthyosis bullosa of Siemens (IBS). Also called: Superficial epidermolytic ichthyosis. Identifiers: Orphanet 455, MedGen C0432306, MONDO:0007813, OMIM 146800.

Allele frequency attached by ClinVar (database versions not stated): gnomAD exomes 0.00839 and 0.00852; ExAC 0.00869; gnomAD 0.01409; TOPMed 0.01660; ESP Exome Variant Server 0.01684; 1000 Genomes Project 30x 0.01843; 1000 Genomes Project 0.01857.
gnomAD v4.1: 14,938 of 1,613,368 alleles (0.93%); highest among the groups gnomAD compares: African/African-American, 3.9%; 126 homozygotes.

Submissions (7):

Labcorp Genetics (formerly Invitae), Labcorp
Classification: Benign. Last evaluated: 2026-01-12. Review status: criteria provided, single submitter. Criteria: Invitae Variant Classification Sherloc (09022015). Collection method: clinical testing. Allele origin: germline.

Illumina Laboratory Services, Illumina
Classification: Benign for Ichthyosis bullosa of Siemens. Last evaluated: 2018-01-13. Review status: criteria provided, single submitter. Criteria: ICSL Variant Classification Criteria 13 December 2019. Collection method: clinical testing. Allele origin: germline.
Comment: This variant was observed in the ICSL laboratory as part of a predisposition screen in an ostensibly healthy population. It had not been previously curated by ICSL or reported in the Human Gene Mutation Database (HGMD: prior to June 1st, 2018), and was therefore a candidate for classification through an automated scoring system. Utilizing variant allele frequency, disease prevalence and penetrance estimates, and inheritance mode, an automated score was calculated to assess if this variant is too frequent to cause the disease. Based on the score and internal cut-off values, a variant classified as benign is not then subjected to further curation. The score for this variant resulted in a classification of benign for this disease.

Breakthrough Genomics
Classification: Benign. Review status: criteria provided, single submitter. Criteria: ACMG Guidelines, 2015. Collection method: not provided. Allele origin: germline. Inheritance: Autosomal dominant inheritance. Affected: yes.

PreventionGenetics, part of Exact Sciences
Classification: Benign for KRT2-related condition. Last evaluated: 2019-07-23. Review status: no assertion criteria provided. Collection method: clinical testing. Allele origin: germline. Not counted in ClinVar's aggregate classification.
Comment: This variant is classified as benign based on ACMG/AMP sequence variant interpretation guidelines (Richards et al. 2015 PMID: 25741868, with internal and published modifications).

Dr. Peter K. Rogan Lab, Western University
No classification provided (evidence only). Condition: Clear cell carcinoma of kidney. Review status: no classification provided. Collection method: in vitro. Allele origin: not applicable. Functional consequence: retained intron. Not counted in ClinVar's aggregate classification.

Dr. Peter K. Rogan Lab, Western University
No classification provided (evidence only). Condition: Lung cancer. Review status: no classification provided. Collection method: in vitro. Allele origin: not applicable. Functional consequence: retained intron. Not counted in ClinVar's aggregate classification.

Dr. Peter K. Rogan Lab, Western University
No classification provided (evidence only). Condition: Colorectal cancer. Review status: no classification provided. Collection method: in vitro. Allele origin: not applicable. Functional consequence: retained intron. Not counted in ClinVar's aggregate classification.

NM_000423.3(KRT2):c.168C>T (p.Gly56=)

Gene: KRT2 (keratin 2; minus strand). Cytogenetic location: 12q13.13.
Variant type: single nucleotide variant.
Coding change: c.168C>T on transcript NM_000423.3 (MANE Select); coding-DNA position 168, C replaced by T.
Protein change: p.Gly56=; no amino-acid change (glycine 56 retained).
Molecular consequence: synonymous variant.
Genome position (GRCh38, 1-based): chr12:52,651,975, G>A on the plus strand (C>T on the coding strand, the complement: KRT2 is on the minus strand). VCF-style: chr12-52651975-G-A. GRCh37 (hg19) VCF-style: chr12-53045759-G-A.
Identifiers: ClinVar variation 309625 (VCV000309625.18), dbSNP rs637247, ClinGen allele CA6585944.
Genomic context (GRCh38, chr12:52,651,975, plus strand): 5'-CACACTAATGGAGATGCTCTTGGTCCCTCCAAGGCCAACAAGACTCCGACTGCCAAAGCC[G>A]CCTCCACCGAAGCCCCCGCCACCACCACCATGGCGGCTCAAGCAGGAGAAGCTGGAAGTT-3'
Protein context (NP_000414.2, residues 46-66): HGGGGGGFGG[Gly56=]GFGSRSLVGL